The following is an entry in ClinVar:

NM_001374736.1(DST):c.7241A>G (p.Asn2414Ser)

Gene: DST (dystonin; minus strand). Cytogenetic location: 6p12.1.
Variant type: single nucleotide variant.
Coding change: c.7241A>G on transcript NM_001374736.1 (MANE Select); coding-DNA position 7241, A replaced by G.
Protein change: p.Asn2414Ser; replaces asparagine 2414 with serine.
Molecular consequence: missense variant. On other transcripts: intron variant (6).
Genome position (GRCh38, 1-based): chr6:56,607,387, T>C on the plus strand (A>G on the coding strand, the complement: DST is on the minus strand). VCF-style: chr6-56607387-T-C. GRCh37 (hg19) VCF-style: chr6-56472185-T-C.
Other names: c.7241A>G, p.Asn2414Ser (NM_001374722.1); c.6608A>G, p.Asn2203Ser (NM_001374729.1); c.7268A>G, p.Asn2423Ser (NM_001374734.1); c.5184+3040A>G (NM_001144769.5); c.4770+3040A>G (NM_001144770.2); c.4650+3040A>G (NM_001374730.1, NM_001386100.1, NM_183380.4); c.3672+3040A>G (NM_015548.5); short protein forms N2203S, N2414S, N2423S.
Identifiers: ClinVar variation 3341524 (VCV003341524.16).

ClinVar aggregate classification (germline): Likely benign (1 of 4 stars; one submission).

gnomAD v4.1: 2,191 of 1,612,878 alleles (0.14%); highest among the groups gnomAD compares: Non-Finnish European, 0.16%; 3 homozygotes.

Submission:

CeGaT Center for Human Genetics Tuebingen
Classification: Likely benign. Last evaluated: 2026-08-01. Review status: criteria provided, single submitter. Criteria: CeGaT Center For Human Genetics Tuebingen Variant Classification Criteria Version 2. Collection method: clinical testing. Allele origin: germline. Affected: yes. Observed: 3 variant alleles.
Comment: DST: BP4